The following is an entry in ClinVar:

NM_002878.4(RAD51D):c.263+1G>T

Genes: RAD51D (RAD51 paralog D; minus strand), RAD51L3-RFFL (RAD51L3-RFFL readthrough; minus strand). Cytogenetic location: 17q12.
Variant type: single nucleotide variant.
Coding change: c.263+1G>T on transcript NM_002878.4 (MANE Select); the canonical splice donor site of the intron after coding-DNA position 263, G replaced by T.
Molecular consequence: splice donor variant. On other transcripts: intron variant (2).
Genome position (GRCh38, 1-based): chr17:35,118,500, C>A on the plus strand (G>T on the coding strand, the complement: RAD51D is on the minus strand). VCF-style: chr17-35118500-C-A. GRCh37 (hg19) VCF-style: chr17-33445519-C-A.
Other names: c.263+1G>T (NM_002878.3); c.144+611G>T (NM_133629.3, NM_001142571.2).
Identifiers: ClinVar variation 2039686 (VCV002039686.7), dbSNP rs1555570242, ClinGen allele CA399091170.

ClinVar aggregate classification (germline): Conflicting classifications of pathogenicity. Review status: criteria provided, conflicting classifications (1 of 4 stars). 2 submissions from 2 submitters: Likely pathogenic (1); Uncertain significance (1). Last evaluated 2024-10-28.

Conditions:
Hereditary cancer-predisposing syndrome. Also called: Neoplastic Syndromes, Hereditary; Hereditary Cancer Syndrome; Tumor predisposition; Hereditary neoplastic syndrome. Identifiers: Orphanet 140162, MedGen C0027672, MeSH D009386, MONDO:0015356.
Breast-ovarian cancer, familial, susceptibility to, 4. Identifiers: Orphanet 145, MedGen C3280345, MONDO:0013669, OMIM 614291.

Submissions (2):

Ambry Genetics
Classification: Uncertain significance for Hereditary cancer-predisposing syndrome. Last evaluated: 2024-10-28. Review status: criteria provided, single submitter. Criteria: Ambry Variant Classification Scheme 2023. Collection method: clinical testing. Allele origin: germline.
Comment: The c.263+1G>T intronic variant results from a G to T substitution one nucleotide after coding exon 3 of the RAD51D gene. This nucleotide position is highly conserved in available vertebrate species. In silico splice site analysis predicts that this alteration will weaken the native splice donor site; however, direct evidence is insufficient at this time (Ambry internal data). In addition, RNA data has shown that exon 3 is excluded in several naturally occurring RAD51D isoforms (Davy G et al. Eur. J. Hum. Genet., 2017 10;25:1147-1154; Ambry internal data). Since supporting evidence is limited at this time, the clinical significance of this alteration remains unclear.

Labcorp Genetics (formerly Invitae), Labcorp
Classification: Likely pathogenic for Breast-ovarian cancer, familial, susceptibility to, 4. Last evaluated: 2023-10-23. Review status: criteria provided, single submitter. Criteria: Invitae Variant Classification Sherloc (09022015). Collection method: clinical testing. Allele origin: germline.
Comment: This sequence change affects a donor splice site in intron 3 of the RAD51D gene. It is expected to disrupt RNA splicing. Variants that disrupt the donor or acceptor splice site typically lead to a loss of protein function (PMID: 16199547), and loss-of-function variants in RAD51D are known to be pathogenic (PMID: 21822267). This variant is not present in population databases (gnomAD no frequency). Disruption of this splice site has been observed in individual(s) with exocrine pancreatic neoplasm or breast/ovarian cancer (PMID: 26261251, 29506128, 32107557). ClinVar contains an entry for this variant (Variation ID: 2039686). Studies have shown that disruption of this splice site is associated with inconclusive levels of altered splicing (Invitae). In summary, the currently available evidence indicates that the variant is pathogenic, but additional data are needed to prove that conclusively. Therefore, this variant has been classified as Likely Pathogenic.

Literature cited by the submitters: PubMed 16199547 (cited by Labcorp Genetics (formerly Invitae), Labcorp); PubMed 21822267 (cited by Labcorp Genetics (formerly Invitae), Labcorp); PubMed 26261251 (cited by Labcorp Genetics (formerly Invitae), Labcorp); PubMed 29506128 (cited by Labcorp Genetics (formerly Invitae), Labcorp); PubMed 32107557 (cited by Labcorp Genetics (formerly Invitae), Labcorp).